The following is an entry in ClinVar:

ClinVar aggregate classification (germline): Benign/Likely benign. Review status: criteria provided, multiple submitters, no conflicts (2 of 4 stars). 3 submissions from 3 submitters: Benign (1); Likely benign (2). Last evaluated 2024-09-12.

Conditions:
Hereditary cancer-predisposing syndrome. Also called: Tumor predisposition; Hereditary Cancer Syndrome; Hereditary neoplastic syndrome; Neoplastic Syndromes, Hereditary. Identifiers: Orphanet 140162, MedGen C0027672, MeSH D009386, MONDO:0015356.
Hereditary diffuse gastric adenocarcinoma (HDGC). Also called: DIFFUSE GASTRIC AND LOBULAR BREAST CANCER SYNDROME. Identifiers: Orphanet 26106, MedGen C1708349, MONDO:0007648, OMIM 137215.

Allele frequency attached by ClinVar (database versions not stated): TOPMed below 0.00001.

Submissions (3):

Myriad Genetics, Inc.
Classification: Benign for Hereditary diffuse gastric adenocarcinoma. Last evaluated: 2024-09-12. Review status: criteria provided, single submitter. Criteria: Myriad Autosomal Dominant, Autosomal Recessive and X-Linked Classification Criteria (2023). Collection method: clinical testing. Allele origin: unknown.
Comment: This variant is considered benign. This variant is a silent/synonymous amino acid change and it is not expected to impact splicing.

Labcorp Genetics (formerly Invitae), Labcorp
Classification: Likely benign for Hereditary diffuse gastric adenocarcinoma. Last evaluated: 2024-06-12. Review status: criteria provided, single submitter. Criteria: Invitae Variant Classification Sherloc (09022015). Collection method: clinical testing. Allele origin: germline.

Ambry Genetics
Classification: Likely benign for Hereditary cancer-predisposing syndrome. Last evaluated: 2013-12-24. Review status: criteria provided, single submitter. Criteria: Ambry Autosomal Dominant and X-Linked criteria (10/2015). Collection method: clinical testing. Allele origin: germline. Observed: 1 variant allele.

NM_004360.5(CDH1):c.372C>A (p.Arg124=)

Gene: CDH1 (cadherin 1; plus strand). Cytogenetic location: 16q22.1.
Variant type: single nucleotide variant.
Coding change: c.372C>A on transcript NM_004360.5 (MANE Select); coding-DNA position 372, C replaced by A.
Protein change: p.Arg124=; no amino-acid change (arginine 124 retained).
Molecular consequence: synonymous variant. On other transcripts: 5 prime UTR variant (2).
Genome position (GRCh38, 1-based): chr16:68,801,878, C>A. VCF-style: chr16-68801878-C-A. GRCh37 (hg19) VCF-style: chr16-68835781-C-A.
Other names: c.372C>A (LRG_301t1); c.372C>A, p.Arg124= (NM_001317184.2); c.-1244C>A (NM_001317185.2); c.-1448C>A (NM_001317186.2).
Identifiers: ClinVar variation 184510 (VCV000184510.13), dbSNP rs786201511, ClinGen allele CA189157.